The following is an entry in ClinVar:

NM_005220.3(DLX3):c.*1335C>T

Gene: DLX3 (distal-less homeobox 3; minus strand). Cytogenetic location: 17q21.33.
Variant type: single nucleotide variant.
Coding change: c.*1335C>T on transcript NM_005220.3 (MANE Select); 1335 bases downstream of the stop codon, C replaced by T.
Molecular consequence: 3 prime UTR variant.
Genome position (GRCh38, 1-based): chr17:49,990,182, G>A on the plus strand (C>T on the coding strand, the complement: DLX3 is on the minus strand). VCF-style: chr17-49990182-G-A. GRCh37 (hg19) VCF-style: chr17-48067546-G-A.
Identifiers: ClinVar variation 891093 (VCV000891093.4), dbSNP rs529185809, ClinGen allele CA291504637.

ClinVar aggregate classification (germline): Benign (1 of 4 stars; one submission).

Conditions:
Hypomaturation-hypoplastic amelogenesis imperfecta with taurodontism. Also called: Amelogenesis imperfecta, type IV. Identifiers: Orphanet 100034, Orphanet 88661, MedGen C1863012, MONDO:0007093, OMIM 104510. Disease mechanism: loss of function.

Allele frequency attached by ClinVar (database versions not stated): gnomAD 0.00210 and 0.00228; TOPMed 0.00227; 1000 Genomes Project 0.00260; 1000 Genomes Project 30x 0.00297.

Submission:

Illumina Laboratory Services, Illumina
Classification: Benign for Hypomaturation-hypoplastic amelogenesis imperfecta with taurodontism. Last evaluated: 2018-01-13. Review status: criteria provided, single submitter. Criteria: ICSL Variant Classification Criteria 13 December 2019. Collection method: clinical testing. Allele origin: germline.
Comment: This variant was observed in the ICSL laboratory as part of a predisposition screen in an ostensibly healthy population. It had not been previously curated by ICSL or reported in the Human Gene Mutation Database (HGMD: prior to June 1st, 2018), and was therefore a candidate for classification through an automated scoring system. Utilizing variant allele frequency, disease prevalence and penetrance estimates, and inheritance mode, an automated score was calculated to assess if this variant is too frequent to cause the disease. Based on the score and internal cut-off values, a variant classified as benign is not then subjected to further curation. The score for this variant resulted in a classification of benign for this disease.